The following is an entry in ClinVar:

ClinVar aggregate classification (germline): Uncertain significance. Review status: criteria provided, multiple submitters, no conflicts (2 of 4 stars). 3 submissions from 3 submitters: Uncertain significance (3). Last evaluated 2023-12-21.

Conditions:
Inborn genetic diseases. Identifiers: MedGen C0950123, MeSH D030342.

Allele frequency attached by ClinVar (database versions not stated): gnomAD exomes 0.00001; ExAC 0.00004.
gnomAD v4.1: 19 of 1,613,764 alleles (0.0012%); highest among the groups gnomAD compares: South Asian, 0.019%; 1 homozygote.

Submissions (3):

Ambry Genetics
Classification: Uncertain significance for Inborn genetic diseases. Last evaluated: 2023-12-21. Review status: criteria provided, single submitter. Criteria: Ambry Variant Classification Scheme 2023. Collection method: clinical testing. Allele origin: germline.

Blueprint Genetics
Classification: Uncertain significance. Last evaluated: 2023-06-20. Review status: criteria provided, single submitter. Criteria: ACMG Guidelines, 2015. Collection method: clinical testing. Allele origin: germline.

Labcorp Genetics (formerly Invitae), Labcorp
Classification: Uncertain significance. Last evaluated: 2022-03-29. Review status: criteria provided, single submitter. Criteria: Invitae Variant Classification Sherloc (09022015). Collection method: clinical testing. Allele origin: germline.
Comment: This sequence change replaces threonine, which is neutral and polar, with alanine, which is neutral and non-polar, at codon 1254 of the TTC37 protein (p.Thr1254Ala). This variant is present in population databases (rs759920504, gnomAD 0.03%). This variant has not been reported in the literature in individuals affected with TTC37-related conditions. Algorithms developed to predict the effect of missense changes on protein structure and function (SIFT, PolyPhen-2, Align-GVGD) all suggest that this variant is likely to be tolerated. In summary, the available evidence is currently insufficient to determine the role of this variant in disease. Therefore, it has been classified as a Variant of Uncertain Significance.

NM_014639.4(SKIC3):c.3760A>G (p.Thr1254Ala)

Gene: SKIC3 (SKI3 subunit of superkiller complex; minus strand). Cytogenetic location: 5q15.
Variant type: single nucleotide variant.
Coding change: c.3760A>G on transcript NM_014639.4 (MANE Select); coding-DNA position 3760, A replaced by G.
Protein change: p.Thr1254Ala; replaces threonine 1254 with alanine.
Molecular consequence: missense variant.
Genome position (GRCh38, 1-based): chr5:95,494,724, T>C on the plus strand (A>G on the coding strand, the complement: SKIC3 is on the minus strand). VCF-style: chr5-95494724-T-C. GRCh37 (hg19) VCF-style: chr5-94830428-T-C.
Other names: short protein forms T1254A.
Identifiers: ClinVar variation 2119450 (VCV002119450.3), dbSNP rs759920504, ClinGen allele CA3346608.